The following is an entry in ClinVar:

ClinVar aggregate classification (germline): Uncertain significance (1 of 4 stars; one submission).

Submission:

Labcorp Genetics (formerly Invitae), Labcorp
Classification: Uncertain significance. Last evaluated: 2024-05-23. Review status: criteria provided, single submitter. Criteria: Invitae Variant Classification Sherloc (09022015). Collection method: clinical testing. Allele origin: germline.
Comment: This sequence change replaces methionine, which is neutral and non-polar, with valine, which is neutral and non-polar, at codon 685 of the CASZ1 protein (p.Met685Val). This variant is not present in population databases (gnomAD no frequency). This variant has not been reported in the literature in individuals affected with CASZ1-related conditions. An algorithm developed to predict the effect of missense changes on protein structure and function (PolyPhen-2) suggests that this variant is likely to be disruptive. In summary, the available evidence is currently insufficient to determine the role of this variant in disease. Therefore, it has been classified as a Variant of Uncertain Significance.

NM_001079843.3(CASZ1):c.2053A>G (p.Met685Val)

Gene: CASZ1 (castor zinc finger 1; minus strand). Cytogenetic location: 1p36.22.
Variant type: single nucleotide variant.
Coding change: c.2053A>G on transcript NM_001079843.3 (MANE Select); coding-DNA position 2053, A replaced by G.
Protein change: p.Met685Val; replaces methionine 685 with valine.
Molecular consequence: missense variant.
Genome position (GRCh38, 1-based): chr1:10,654,004, T>C on the plus strand (A>G on the coding strand, the complement: CASZ1 is on the minus strand). VCF-style: chr1-10654004-T-C. GRCh37 (hg19) VCF-style: chr1-10714061-T-C.
Other names: c.2053A>G, p.Met685Val (NM_017766.5); short protein forms M685V.
Identifiers: ClinVar variation 3676485 (VCV003676485.2).